The following is an entry in ClinVar:

NM_001330078.2(NRXN1):c.712G>A (p.Asp238Asn)

Gene: NRXN1 (neurexin 1; minus strand). Cytogenetic location: 2p16.3.
Variant type: single nucleotide variant.
Coding change: c.712G>A on transcript NM_001330078.2 (MANE Select); coding-DNA position 712, G replaced by A.
Protein change: p.Asp238Asn; replaces aspartic acid 238 with asparagine.
Molecular consequence: missense variant.
Genome position (GRCh38, 1-based): chr2:51,027,562, C>T on the plus strand (G>A on the coding strand, the complement: NRXN1 is on the minus strand). VCF-style: chr2-51027562-C-T. GRCh37 (hg19) VCF-style: chr2-51254700-C-T.
Other names: c.712G>A, p.Asp238Asn (NM_001135659.3, NM_001330077.2, NM_001330079.2 and 15 more transcripts); short protein forms D238N.
Identifiers: ClinVar variation 1968245 (VCV001968245.5), dbSNP rs2468069214, ClinGen allele CA346823444.

ClinVar aggregate classification (germline): Uncertain significance (1 of 4 stars; one submission).

Conditions:
Pitt-Hopkins-like syndrome 2 (PTHSL2). Identifiers: Orphanet 221150, Orphanet 600663, MedGen C3280479, MONDO:0013690, OMIM 614325.

Allele frequency attached by ClinVar (database versions not stated): gnomAD exomes below 0.00001.
gnomAD v4.1: 1 of 1,597,622 alleles (0.000063%); highest among the groups gnomAD compares: Non-Finnish European, 0.000086%; no homozygotes.

Submission:

Labcorp Genetics (formerly Invitae), Labcorp
Classification: Uncertain significance for Pitt-Hopkins-like syndrome 2. Last evaluated: 2024-01-02. Review status: criteria provided, single submitter. Criteria: Invitae Variant Classification Sherloc (09022015). Collection method: clinical testing. Allele origin: germline.
Comment: This sequence change replaces aspartic acid, which is acidic and polar, with asparagine, which is neutral and polar, at codon 238 of the NRXN1 protein (p.Asp238Asn). This variant is not present in population databases (gnomAD no frequency). This variant has not been reported in the literature in individuals affected with NRXN1-related conditions. ClinVar contains an entry for this variant (Variation ID: 1968245). An algorithm developed to predict the effect of missense changes on protein structure and function (PolyPhen-2) suggests that this variant is likely to be tolerated. In summary, the available evidence is currently insufficient to determine the role of this variant in disease. Therefore, it has been classified as a Variant of Uncertain Significance.